The following is an entry in ClinVar:

NM_033028.5(BBS4):c.405+7A>G

Gene: BBS4 (Bardet-Biedl syndrome 4; plus strand). Cytogenetic location: 15q24.1.
Variant type: single nucleotide variant.
Coding change: c.405+7A>G on transcript NM_033028.5 (MANE Select); 7 bases into the intron after coding-DNA position 405, A replaced by G.
Molecular consequence: intron variant.
Genome position (GRCh38, 1-based): chr15:72,716,857, A>G. VCF-style: chr15-72716857-A-G. GRCh37 (hg19) VCF-style: chr15-73009198-A-G.
Other names: c.405+7A>G (NM_001320665.2); c.-117+7A>G (NM_001252678.2).
Identifiers: ClinVar variation 700994 (VCV000700994.12), dbSNP rs778651927, ClinGen allele CA7646610.

ClinVar aggregate classification (germline): Conflicting classifications of pathogenicity. Review status: criteria provided, conflicting classifications (1 of 4 stars). 3 submissions from 3 submitters: Uncertain significance (1); Likely benign (2). Last evaluated 2026-01-14.

Conditions:
BBS4-related disorder. Also called: BBS4-related condition.
Bardet-Biedl syndrome (BBS). Identifiers: Orphanet 110, MedGen C0752166, MONDO:0015229.
Bardet-Biedl syndrome 4 (BBS4). Identifiers: Orphanet 110, MedGen C2936864, MONDO:0014433, OMIM 615982.

Allele frequency attached by ClinVar (database versions not stated): gnomAD 0.00001; TOPMed 0.00002; gnomAD exomes 0.00004 and 0.00007; ExAC 0.00012.
gnomAD v4.1: 56 of 1,600,188 alleles (0.0035%); highest among the groups gnomAD compares: South Asian, 0.061%; no homozygotes.

Submissions (3):

Labcorp Genetics (formerly Invitae), Labcorp
Classification: Likely benign for Bardet-Biedl syndrome. Last evaluated: 2026-01-14. Review status: criteria provided, single submitter. Criteria: Invitae Variant Classification Sherloc (09022015). Collection method: clinical testing. Allele origin: germline.

PreventionGenetics, part of Exact Sciences
Classification: Likely benign for BBS4-related condition. Last evaluated: 2025-08-07. Review status: criteria provided, single submitter. Criteria: ACMG Guidelines, 2015. Collection method: clinical testing. Allele origin: germline.
Comment: This variant is classified as likely benign based on ACMG/AMP sequence variant interpretation guidelines (Richards et al. 2015 PMID: 25741868, with internal and published modifications).

Illumina Laboratory Services, Illumina
Classification: Uncertain significance for Bardet-Biedl syndrome 4. Last evaluated: 2018-01-12. Review status: criteria provided, single submitter. Criteria: ICSL Variant Classification Criteria 13 December 2019. Collection method: clinical testing. Allele origin: germline.